The following is an entry in ClinVar:

NM_012082.4(ZFPM2):c.1436T>C (p.Leu479Pro)

Genes: ZFPM2 (zinc finger protein, FOG family member 2; plus strand), ZFPM2-AS1 (ZFPM2 antisense RNA 1; minus strand). Cytogenetic location: 8q23.1.
Variant type: single nucleotide variant.
Coding change: c.1436T>C on transcript NM_012082.4 (MANE Select); coding-DNA position 1436, T replaced by C.
Protein change: p.Leu479Pro; replaces leucine 479 with proline.
Molecular consequence: missense variant.
Genome position (GRCh38, 1-based): chr8:105,801,518, T>C. VCF-style: chr8-105801518-T-C. GRCh37 (hg19) VCF-style: chr8-106813746-T-C.
Other names: c.1277T>C, p.Leu426Pro (NM_001362836.2); c.1040T>C, p.Leu347Pro (NM_001362837.2); short protein forms L347P, L426P, L479P.
Identifiers: ClinVar variation 660458 (VCV000660458.8), dbSNP rs1586283783, ClinGen allele CA371950614.

ClinVar aggregate classification (germline): Uncertain significance (1 of 4 stars; one submission).

Conditions:
46,XY sex reversal 9 (SRXY9). Also called: 46,XY SEX REVERSAL, ZFPM2-RELATED. Identifiers: Orphanet 251510, MedGen C4015129, MONDO:0014480, OMIM 616067.

Allele frequency attached by ClinVar (database versions not stated): gnomAD exomes below 0.00001.
gnomAD v4.1: 2 of 1,613,972 alleles (0.00012%); highest among the groups gnomAD compares: Non-Finnish European, 0.00017%; no homozygotes.

Submission:

Labcorp Genetics (formerly Invitae), Labcorp
Classification: Uncertain significance for 46,XY sex reversal 9. Last evaluated: 2020-10-01. Review status: criteria provided, single submitter. Criteria: Invitae Variant Classification Sherloc (09022015). Collection method: clinical testing. Allele origin: germline.
Comment: This variant has not been reported in the literature in individuals with ZFPM2-related disease. Algorithms developed to predict the effect of missense changes on protein structure and function (SIFT, PolyPhen-2, Align-GVGD) all suggest that this variant is likely to be disruptive, but these predictions have not been confirmed by published functional studies and their clinical significance is uncertain. In summary, the available evidence is currently insufficient to determine the role of this variant in disease. Therefore, it has been classified as a Variant of Uncertain Significance. This variant is not present in population databases (ExAC no frequency). This sequence change replaces leucine with proline at codon 479 of the ZFPM2 protein (p.Leu479Pro). The leucine residue is highly conserved and there is a moderate physicochemical difference between leucine and proline.